The following is an entry in ClinVar:

ClinVar aggregate classification (germline): Benign. Review status: criteria provided, multiple submitters, no conflicts (2 of 4 stars). 11 submissions from 11 submitters: Benign (7). 4 of the submissions do not count toward it. Last evaluated 2026-01-27.

Conditions:
Cardiovascular phenotype. Identifiers: MedGen CN230736.
Cardiomyopathy (CMYO). Also called: Cardiomyopathies. Identifiers: Orphanet 167848, MedGen C0878544, MONDO:0004994, HP:0001638. Inheritance: Various modes of inheritance.
Hypertrophic cardiomyopathy 14. Identifiers: MedGen C2750467, MONDO:0013197, OMIM 613251.

Allele frequency attached by ClinVar (database versions not stated): TOPMed 0.00970; ExAC 0.00294; 1000 Genomes Project 0.00759; 1000 Genomes Project 30x 0.00781; ESP Exome Variant Server 0.00837; gnomAD 0.00849 and 0.00929.

Submissions (11):

Labcorp Genetics (formerly Invitae), Labcorp
Classification: Benign for Hypertrophic cardiomyopathy 14. Last evaluated: 2026-01-27. Review status: criteria provided, single submitter. Criteria: Invitae Variant Classification Sherloc (09022015). Collection method: clinical testing. Allele origin: germline.

ARUP Laboratories, Molecular Genetics and Genomics, ARUP Laboratories
Classification: Benign. Last evaluated: 2025-06-18. Review status: criteria provided, single submitter. Criteria: ARUP Molecular Germline Variant Investigation Process 2024. Collection method: clinical testing. Allele origin: germline.

CHEO Genetics Diagnostic Laboratory, Children's Hospital of Eastern Ontario
Classification: Benign for Cardiomyopathy. Last evaluated: 2017-08-21. Review status: criteria provided, single submitter. Criteria: ACMG Guidelines, 2015. Collection method: clinical testing. Allele origin: germline. Study: Canadian Open Genetics Repository.

GeneDx
Classification: Benign. Last evaluated: 2016-11-21. Review status: criteria provided, single submitter. Criteria: GeneDx Variant Classification (06012015). Collection method: clinical testing. Allele origin: germline. Affected: yes.
Comment: This variant is considered likely benign or benign based on one or more of the following criteria: it is a conservative change, it occurs at a poorly conserved position in the protein, it is predicted to be benign by multiple in silico algorithms, and/or has population frequency not consistent with disease.

Ambry Genetics
Classification: Benign for Cardiovascular phenotype. Last evaluated: 2014-12-18. Review status: criteria provided, single submitter. Criteria: Ambry Variant Classification Scheme 2023. Collection method: clinical testing. Allele origin: germline.

Laboratory for Molecular Medicine, Mass General Brigham Personalized Medicine
Classification: Benign. Last evaluated: 2012-04-03. Review status: criteria provided, single submitter. Criteria: LMM Criteria. Collection method: clinical testing. Allele origin: germline. Observed: 13 variant alleles.
Comment: Ser1160Ser in exon 26 of MYH6: This variant is not expected to have clinical sig nificance because it does not alter an amino acid residue, is not located within the splice consensus sequence, and it has been identified in 2.4% (82/3428) of African American chromosomes from a broad population by the NHLBI Exome Sequenci ng Project

Breakthrough Genomics
Classification: Benign. Review status: criteria provided, single submitter. Criteria: ACMG Guidelines, 2015. Collection method: not provided. Allele origin: germline. Inheritance: Autosomal dominant inheritance. Affected: yes.

Clinical Genetics DNA and cytogenetics Diagnostics Lab, Erasmus MC, Erasmus Medical Center
Classification: Benign. Review status: no assertion criteria provided. Collection method: clinical testing. Allele origin: germline. Affected: yes. Study: VKGL Data-share Consensus. Not counted in ClinVar's aggregate classification.

Clinical Genetics, Academic Medical Center
Classification: Benign. Review status: no assertion criteria provided. Collection method: clinical testing. Allele origin: germline. Affected: yes. Study: VKGL Data-share Consensus. Not counted in ClinVar's aggregate classification.

Diagnostic Laboratory, Department of Genetics, University Medical Center Groningen
Classification: Likely benign. Review status: no assertion criteria provided. Collection method: clinical testing. Allele origin: germline. Affected: yes. Study: VKGL Data-share Consensus. Not counted in ClinVar's aggregate classification.

Joint Genome Diagnostic Labs from Nijmegen and Maastricht, Radboudumc and MUMC+
Classification: Likely benign. Review status: no assertion criteria provided. Collection method: clinical testing. Allele origin: germline. Affected: yes. Study: VKGL Data-share Consensus. Not counted in ClinVar's aggregate classification.

NM_002471.4(MYH6):c.3480C>T (p.Ser1160=)

Gene: MYH6 (myosin heavy chain 6; minus strand). Cytogenetic location: 14q11.2.
Variant type: single nucleotide variant.
Coding change: c.3480C>T on transcript NM_002471.4 (MANE Select); coding-DNA position 3480, C replaced by T.
Protein change: p.Ser1160=; no amino-acid change (serine 1160 retained).
Molecular consequence: synonymous variant.
Genome position (GRCh38, 1-based): chr14:23,390,309, G>A on the plus strand (C>T on the coding strand, the complement: MYH6 is on the minus strand). VCF-style: chr14-23390309-G-A. GRCh37 (hg19) VCF-style: chr14-23859518-G-A.
Identifiers: ClinVar variation 44486 (VCV000044486.38), dbSNP rs373345984, ClinGen allele CA134338.